The following is an entry in ClinVar:

NM_017852.5(NLRP2):c.1100A>G (p.Tyr367Cys)

Gene: NLRP2 (NLR family pyrin domain containing 2; plus strand). Cytogenetic location: 19q13.42.
Variant type: single nucleotide variant.
Coding change: c.1100A>G on transcript NM_017852.5 (MANE Select); coding-DNA position 1100, A replaced by G.
Protein change: p.Tyr367Cys; replaces tyrosine 367 with cysteine.
Molecular consequence: missense variant. On other transcripts: non-coding transcript variant (1).
Genome position (GRCh38, 1-based): chr19:54,982,798, A>G. VCF-style: chr19-54982798-A-G. GRCh37 (hg19) VCF-style: chr19-55494166-A-G.
Other names: c.1100A>G, p.Tyr367Cys (NM_001174081.3); c.1034A>G, p.Tyr345Cys (NM_001174082.3); c.1031A>G, p.Tyr344Cys (NM_001174083.2); c.1091A>G, p.Tyr364Cys (NM_001348003.2); short protein forms Y344C, Y345C, Y364C, Y367C.
Identifiers: ClinVar variation 2501858 (VCV002501858.1), dbSNP rs2071691978, ClinGen allele CA407431377.

ClinVar aggregate classification (germline): Uncertain significance (1 of 4 stars; one submission).

Allele frequency attached by ClinVar (database versions not stated): TOPMed below 0.00001; gnomAD 0.00001.
gnomAD v4.1: 1 of 1,613,846 alleles (0.000062%); highest among the groups gnomAD compares: Non-Finnish European, 0.000085%; no homozygotes.

Submission:

GeneDx
Classification: Uncertain significance. Last evaluated: 2022-11-14. Review status: criteria provided, single submitter. Criteria: GeneDx Variant Classification Process June 2021. Collection method: clinical testing. Allele origin: germline. Affected: yes.
Comment: Not observed at significant frequency in large population cohorts (gnomAD); In silico analysis supports that this missense variant has a deleterious effect on protein structure/function; Has not been previously published as pathogenic or benign to our knowledge